The following is an entry in ClinVar:

ClinVar aggregate classification (germline): Uncertain significance (1 of 4 stars; one submission).

Conditions:
Inborn genetic diseases. Identifiers: MedGen C0950123, MeSH D030342.

Submission:

Ambry Genetics
Classification: Uncertain significance for Inborn genetic diseases. Last evaluated: 2026-05-21. Review status: criteria provided, single submitter. Criteria: Ambry Variant Classification Scheme 2023. Collection method: clinical testing. Allele origin: germline.
Comment: The p.P47S variant (also known as c.139C>T), located in coding exon 1 of the KDM1A gene, results from a C to T substitution at nucleotide position 139. The proline at codon 47 is replaced by serine, an amino acid with similar properties. This amino acid position is conserved. In addition, this alteration is predicted to be tolerated by in silico analysis. Based on the available evidence, the clinical significance of this variant remains unclear.

NM_001009999.3(KDM1A):c.139C>T (p.Pro47Ser)

Gene: KDM1A (lysine demethylase 1A; plus strand). Cytogenetic location: 1p36.12.
Variant type: single nucleotide variant.
Coding change: c.139C>T on transcript NM_001009999.3 (MANE Select); coding-DNA position 139, C replaced by T.
Protein change: p.Pro47Ser; replaces proline 47 with serine.
Molecular consequence: missense variant.
Genome position (GRCh38, 1-based): chr1:23,019,735, C>T. VCF-style: chr1-23019735-C-T. GRCh37 (hg19) VCF-style: chr1-23346228-C-T.
Other names: c.139C>T, p.Pro47Ser (NM_001363654.2, NM_001410762.1, NM_001410763.1 and 1 more transcripts); short protein forms P47S.
Identifiers: ClinVar variation 4858741 (VCV004858741.1).